The following is an entry in ClinVar:

NM_002439.5(MSH3):c.662C>G (p.Ala221Gly)

Gene: MSH3 (mutS homolog 3; plus strand). Cytogenetic location: 5q14.1.
Variant type: single nucleotide variant.
Coding change: c.662C>G on transcript NM_002439.5 (MANE Select); coding-DNA position 662, C replaced by G.
Protein change: p.Ala221Gly; replaces alanine 221 with glycine.
Molecular consequence: missense variant.
Genome position (GRCh38, 1-based): chr5:80,670,179, C>G. VCF-style: chr5-80670179-C-G. GRCh37 (hg19) VCF-style: chr5-79965998-C-G.
Other names: c.662C>G (NM_002439.3); short protein forms A221G.
Identifiers: ClinVar variation 4799115 (VCV004799115.2).
Genomic context (GRCh38, chr5:80,670,179, plus strand): 5'-GTCAGTTTGGATCATCAAATACAAGTCATGAAAATTTACAGAAAACTGCTTCCAAATCAG[C>G]TAACAAACGGTCCAAAAGCATCTATACGCCGCTAGAATTACAATACATAGAAATGAAGCA-3'
Protein context (NP_002430.3, residues 211-231): ENLQKTASKS[Ala221Gly]NKRSKSIYTP

ClinVar aggregate classification (germline): Uncertain significance. Review status: criteria provided, multiple submitters, no conflicts (2 of 4 stars). 2 submissions from 2 submitters: Uncertain significance (2). Last evaluated 2026-07-06.

Conditions:
Hereditary cancer-predisposing syndrome. Also called: Hereditary Cancer Syndrome; Hereditary neoplastic syndrome; Neoplastic Syndromes, Hereditary; Tumor predisposition. Identifiers: Orphanet 140162, MedGen C0027672, MeSH D009386, MONDO:0015356.

Submissions (2):

Ambry Genetics
Classification: Uncertain significance for Hereditary cancer-predisposing syndrome. Last evaluated: 2026-07-06. Review status: criteria provided, single submitter. Criteria: Ambry Variant Classification Scheme 2023. Collection method: clinical testing. Allele origin: germline.
Comment: The p.A221G variant (also known as c.662C>G), located in coding exon 4 of the MSH3 gene, results from a C to G substitution at nucleotide position 662. The alanine at codon 221 is replaced by glycine, an amino acid with similar properties. This amino acid position is conserved. In addition, this alteration is predicted to be tolerated by in silico analysis. Based on the available evidence, the clinical significance of this variant remains unclear.

Labcorp Genetics (formerly Invitae), Labcorp
Classification: Uncertain significance. Last evaluated: 2026-02-03. Review status: criteria provided, single submitter. Criteria: Invitae Variant Classification Sherloc (09022015). Collection method: clinical testing. Allele origin: germline.
Comment: This sequence change replaces alanine, which is neutral and non-polar, with glycine, which is neutral and non-polar, at codon 221 of the MSH3 protein (p.Ala221Gly). This variant is not present in population databases (gnomAD no frequency). This variant has not been reported in the literature in individuals affected with MSH3-related conditions. An algorithm developed to predict the effect of missense changes on protein structure and function (PolyPhen-2) suggests that this variant is likely to be tolerated. Algorithms developed to predict the effect of sequence changes on RNA splicing suggest that this variant may create or strengthen a splice site. In summary, the available evidence is currently insufficient to determine the role of this variant in disease. Therefore, it has been classified as a Variant of Uncertain Significance.